The following is an entry in ClinVar:

NM_001278669.2(NFATC1):c.292G>T (p.Ala98Ser)

Gene: NFATC1 (nuclear factor of activated T cells 1; plus strand). Cytogenetic location: 18q23.
Variant type: single nucleotide variant.
Coding change: c.292G>T on transcript NM_001278669.2 (MANE Select); coding-DNA position 292, G replaced by T.
Protein change: p.Ala98Ser; replaces alanine 98 with serine.
Molecular consequence: missense variant. On other transcripts: intron variant (2).
Genome position (GRCh38, 1-based): chr18:79,410,567, G>T. VCF-style: chr18-79410567-G-T. GRCh37 (hg19) VCF-style: chr18-77170567-G-T.
Other names: c.292G>T, p.Ala98Ser (NM_001278670.2, NM_006162.5, NM_172390.3); c.253G>T, p.Ala85Ser (NM_001278672.2, NM_001278675.2, NM_172387.3 and 1 more transcripts); c.-191+14216G>T (NM_172388.3); c.-191+10088G>T (NM_001278673.2); short protein forms A85S, A98S.
Identifiers: ClinVar variation 3049518 (VCV003049518.2), dbSNP rs375266848, ClinGen allele CA402826438.

ClinVar aggregate classification (germline): Uncertain significance (0 of 4 stars; one submission).

Conditions:
NFATC1-related disorder. Also called: NFATC1-related condition.

gnomAD v4.1: 12 of 1,611,608 alleles (0.00074%); highest among the groups gnomAD compares: Non-Finnish European, 0.001%; no homozygotes.

Submission:

PreventionGenetics, part of Exact Sciences
Classification: Uncertain significance for NFATC1-related condition. Last evaluated: 2023-10-23. Review status: no assertion criteria provided. Collection method: clinical testing. Allele origin: germline.
Comment: The NFATC1 c.292G>T variant is predicted to result in the amino acid substitution p.Ala98Ser. To our knowledge, this variant has not been reported in the literature or in a large population database, indicating this variant is rare. At this time, the clinical significance of this variant is uncertain due to the absence of conclusive functional and genetic evidence.